The following is an entry in ClinVar:

NM_003995.4(NPR2):c.1162C>T (p.Arg388Ter)

Gene: NPR2 (natriuretic peptide receptor 2; plus strand). Cytogenetic location: 9p13.3.
Variant type: single nucleotide variant.
Coding change: c.1162C>T on transcript NM_003995.4 (MANE Select); coding-DNA position 1162, C replaced by T.
Protein change: p.Arg388Ter; replaces arginine 388 with a stop codon.
Molecular consequence: nonsense.
Genome position (GRCh38, 1-based): chr9:35,800,427, C>T. VCF-style: chr9-35800427-C-T. GRCh37 (hg19) VCF-style: chr9-35800424-C-T.
Other names: c.1162C>T, p.Arg388Ter (NM_001378923.1); short protein forms R388*.
Identifiers: ClinVar variation 17787 (VCV000017787.13), dbSNP rs121912739, ClinGen allele CA250695.

ClinVar aggregate classification (germline): Pathogenic. Review status: criteria provided, single submitter (1 of 4 stars). 3 submissions from 3 submitters: Pathogenic (1). 2 of the submissions do not count toward it. Last evaluated 2021-11-03.

Conditions:
Tall stature-scoliosis-macrodactyly of the great toes syndrome. Also called: Epiphyseal chondrodysplasia, miura type. Identifiers: Orphanet 329191, MedGen C4014690, MONDO:0014401, OMIM 615923.
Acromesomelic dysplasia 1, Maroteaux type (AMD1). Also called: ST. HELENA DYSPLASIA; ACROMESOMELIC DYSPLASIA 1. Identifiers: Orphanet 40, MedGen C1864356, MONDO:0011275, OMIM 602875.

Allele frequency attached by ClinVar (database versions not stated): ExAC 0.00001; gnomAD exomes 0.00001; TOPMed 0.00001.
gnomAD v4.1: 13 of 1,614,030 alleles (0.00081%); highest among the groups gnomAD compares: Admixed American, 0.0033%; no homozygotes.

Submissions (3):

Labcorp Genetics (formerly Invitae), Labcorp
Classification: Pathogenic for Tall stature-scoliosis-macrodactyly of the great toes syndrome; Acromesomelic dysplasia 1, Maroteaux type. Last evaluated: 2021-11-03. Review status: criteria provided, single submitter. Criteria: Invitae Variant Classification Sherloc (09022015). Collection method: clinical testing. Allele origin: germline.
Comment: For these reasons, this variant has been classified as Pathogenic. ClinVar contains an entry for this variant (Variation ID: 17787). This premature translational stop signal has been observed in individual(s) with acromesomelic dysplasia, type Maroteaux (PMID: 15146390). This variant is present in population databases (rs121912739, gnomAD 0.007%). This sequence change creates a premature translational stop signal (p.Arg388*) in the NPR2 gene. It is expected to result in an absent or disrupted protein product. Loss-of-function variants in NPR2 are known to be pathogenic (PMID: 15146390, 15572448, 16384845).

Hacettepe Genetic Diseases Diagnosis Center, Hacettepe University Faculty of Medicine
Classification: Pathogenic for Acromesomelic dysplasia 1, Maroteaux type. Last evaluated: 2020-04-24. Review status: no assertion criteria provided. Collection method: clinical testing. Allele origin: germline. Inheritance: Autosomal recessive inheritance. Affected: yes. Observed: 3 homozygotes. Clinical features observed: Mesomelic short stature (HP:0008845), Disproportionate short stature (HP:0003498). Not counted in ClinVar's aggregate classification.
Comment: Sequencing analysis of NPR2 revealed a homozygous c.1162C>T (p.Arg388Ter) mutation in two siblings and in an unrelated patient presented with disproportionate short-limb short stature and the parents were found to be heterozygous carriers of this mutation. The Arg388Ter mutation in the NPR2 gene has been associated with Acromesomelic Dysplasia, Type Maroteaux (Bartels et al., 2004). Furthermore, the Arg388Ter variant is classified as pathogenic according to the ACMG guidelines.

OMIM
Classification: Pathogenic for ACROMESOMELIC DYSPLASIA 1. Last evaluated: 2004-07-01. Review status: no assertion criteria provided. Collection method: literature only. Allele origin: germline. Not counted in ClinVar's aggregate classification.

Literature cited by the submitters: PubMed 15146390 (cited by Labcorp Genetics (formerly Invitae), Labcorp and OMIM); PubMed 15572448 (cited by Labcorp Genetics (formerly Invitae), Labcorp); PubMed 16384845 (cited by Labcorp Genetics (formerly Invitae), Labcorp).